The following is an entry in ClinVar:

ClinVar aggregate classification (germline): Uncertain significance (1 of 4 stars; one submission).

Conditions:
Inborn genetic diseases. Identifiers: MedGen C0950123, MeSH D030342.

gnomAD v4.1: 5 of 1,613,988 alleles (0.00031%); highest among the groups gnomAD compares: Admixed American, 0.0017%; no homozygotes.

Submission:

Ambry Genetics
Classification: Uncertain significance for Inborn genetic diseases. Last evaluated: 2026-01-14. Review status: criteria provided, single submitter. Criteria: Ambry Variant Classification Scheme 2023. Collection method: clinical testing. Allele origin: germline.
Comment: The c.494A>G (p.D165G) alteration is located in exon 4 (coding exon 4) of the TRPM3 gene. This alteration results from a A to G substitution at nucleotide position 494, causing the aspartic acid (D) at amino acid position 165 to be replaced by a glycine (G). Based on data from gnomAD, the G allele has an overall frequency of <0.001% (1/251292) total alleles studied. The highest observed frequency was 0.003% (1/34584) of Latino alleles. Based on insufficient or conflicting evidence, the clinical significance of this alteration remains unclear.

NM_001366145.2(TRPM3):c.494A>G (p.Asp165Gly)

Gene: TRPM3 (transient receptor potential cation channel subfamily M member 3; minus strand). Cytogenetic location: 9q21.12.
Variant type: single nucleotide variant.
Coding change: c.494A>G on transcript NM_001366145.2 (MANE Select); coding-DNA position 494, A replaced by G.
Protein change: p.Asp165Gly; replaces aspartic acid 165 with glycine.
Molecular consequence: missense variant.
Genome position (GRCh38, 1-based): chr9:70,846,560, T>C on the plus strand (A>G on the coding strand, the complement: TRPM3 is on the minus strand). VCF-style: chr9-70846560-T-C. GRCh37 (hg19) VCF-style: chr9-73461476-T-C.
Other names: c.35A>G, p.Asp12Gly (NM_001007470.3, NM_001366154.2, NM_020952.6 and 6 more transcripts); c.494A>G, p.Asp165Gly (NM_001007471.4, NM_001366146.2, NM_001366147.2 and 6 more transcripts); c.500A>G, p.Asp167Gly (NM_001366141.2, NM_001366142.2, NM_001366143.2 and 1 more transcripts); short protein forms D165G, D167G, D12G.
Identifiers: ClinVar variation 4839332 (VCV004839332.1).